The following is an entry in ClinVar:

ClinVar aggregate classification (germline): Pathogenic (1 of 4 stars; one submission).

Submission:

Labcorp Genetics (formerly Invitae), Labcorp
Classification: Pathogenic. Last evaluated: 2022-09-13. Review status: criteria provided, single submitter. Criteria: Invitae Variant Classification Sherloc (09022015). Collection method: clinical testing. Allele origin: germline.
Comment: This sequence change creates a premature translational stop signal (p.Glu737*) in the ACAN gene. It is expected to result in an absent or disrupted protein product. Loss-of-function variants in ACAN are known to be pathogenic (PMID: 16080123, 24762113). This variant is not present in population databases (gnomAD no frequency). For these reasons, this variant has been classified as Pathogenic. This variant has not been reported in the literature in individuals affected with ACAN-related conditions.

Literature cited by the submitters: PubMed 16080123; PubMed 24762113.

NM_001369268.1(ACAN):c.2209G>T (p.Glu737Ter)

Gene: ACAN (aggrecan; plus strand). Cytogenetic location: 15q26.1.
Variant type: single nucleotide variant.
Coding change: c.2209G>T on transcript NM_001369268.1 (MANE Select); coding-DNA position 2209, G replaced by T.
Protein change: p.Glu737Ter; replaces glutamic acid 737 with a stop codon.
Molecular consequence: nonsense.
Genome position (GRCh38, 1-based): chr15:88,851,976, G>T. VCF-style: chr15-88851976-G-T. GRCh37 (hg19) VCF-style: chr15-89395207-G-T.
Other names: c.2209G>T, p.Glu737Ter (NM_001135.4, NM_001411096.1, NM_001411097.1 and 1 more transcripts); short protein forms E737*.
Identifiers: ClinVar variation 2115028 (VCV002115028.4), dbSNP rs2505295913, ClinGen allele CA393714259.
Genomic context (GRCh38, chr15:88,851,976, plus strand): 5'-GAGACAACTGCTGTACCCTCAGGGGAGACTACTGCCATCCTAGAGTTCACCACCGAGCCA[G>T]AAAACCAGACAGAATGGGAACCAGCCTATACCCCAGTGGGCACATCCCCGCTGCCAGGTT-3'